The following is an entry in ClinVar:

NM_198525.3(KIF7):c.2536A>T (p.Thr846Ser)

Gene: KIF7 (kinesin family member 7; minus strand). Cytogenetic location: 15q26.1.
Variant type: single nucleotide variant.
Coding change: c.2536A>T on transcript NM_198525.3 (MANE Select); coding-DNA position 2536, A replaced by T.
Protein change: p.Thr846Ser; replaces threonine 846 with serine.
Molecular consequence: missense variant.
Genome position (GRCh38, 1-based): chr15:89,633,742, T>A on the plus strand (A>T on the coding strand, the complement: KIF7 is on the minus strand). VCF-style: chr15-89633742-T-A. GRCh37 (hg19) VCF-style: chr15-90176973-T-A.
Other names: short protein forms T846S.
Identifiers: ClinVar variation 1909422 (VCV001909422.5), dbSNP rs1240669714, ClinGen allele CA393759666.

ClinVar aggregate classification (germline): Uncertain significance (1 of 4 stars; one submission).

Conditions:
Acrocallosal syndrome (ACLS). Also called: HALLUX DUPLICATION, POSTAXIAL POLYDACTYLY, AND ABSENCE OF CORPUS CALLOSUM; Schinzel syndrome 1; Absence of corpus callosum with unusual facial appearance, mental deficiency, duplication of the halluces and polydactyly. Identifiers: Orphanet 36, MedGen C0796147, MONDO:0008708, OMIM 200990.

Submission:

Labcorp Genetics (formerly Invitae), Labcorp
Classification: Uncertain significance for Acrocallosal syndrome. Last evaluated: 2022-04-17. Review status: criteria provided, single submitter. Criteria: Invitae Variant Classification Sherloc (09022015). Collection method: clinical testing. Allele origin: germline.
Comment: In summary, the available evidence is currently insufficient to determine the role of this variant in disease. Therefore, it has been classified as a Variant of Uncertain Significance. Algorithms developed to predict the effect of missense changes on protein structure and function (SIFT, PolyPhen-2, Align-GVGD) all suggest that this variant is likely to be tolerated. This variant has not been reported in the literature in individuals affected with KIF7-related conditions. This variant is not present in population databases (gnomAD no frequency). This sequence change replaces threonine, which is neutral and polar, with serine, which is neutral and polar, at codon 846 of the KIF7 protein (p.Thr846Ser).